The following is an entry in ClinVar:

ClinVar aggregate classification (germline): Uncertain significance. Review status: criteria provided, multiple submitters, no conflicts (2 of 4 stars). 5 submissions from 3 submitters: Uncertain significance (5). Last evaluated 2024-12-06.

Conditions:
Congenital multicore myopathy with external ophthalmoplegia (CMYO1B). Also called: Congenital myopathy 1B, autosomal recessive; Minicore myopathy; MULTIMINICORE DISEASE WITH EXTERNAL OPHTHALMOPLEGIA; Minicore myopathy with external ophthalmoplegia; MULTICORE MYOPATHY. Identifiers: Orphanet 598, Orphanet 98905, MedGen C1850674, MONDO:0009712, OMIM 255320, HP:0003789.
Malignant hyperthermia, susceptibility to, 1 (MHS1). Also called: Malignant hyperthermia suceptibility 1; Anesthesia related hyperthermia; Malignant hyperpyrexia; Fulminating hyperpyrexia; Pharmacogenic myopathy; RYR1-Related Malignant Hyperthermia Susceptibility. Identifiers: Orphanet 423, MedGen C2930980, MONDO:0007783, OMIM 145600.
Central core myopathy (CMYO1A). Also called: CONGENITAL MYOPATHY 1A, AUTOSOMAL DOMINANT, WITH SUSCEPTIBILITY TO MALIGNANT HYPERTHERMIA; Central core disease; Myopathy, central fibrillar. Identifiers: Orphanet 597, MedGen C5830701, MONDO:0007294, OMIM 117000.
RYR1-related disorder. Also called: RYR1-related condition; RYR1-related disorders. Identifiers: MedGen CN239331.

Allele frequency attached by ClinVar (database versions not stated): gnomAD exomes below 0.00001.
gnomAD v4.1: 6 of 1,614,152 alleles (0.00037%); highest among the groups gnomAD compares: Non-Finnish European, 0.00051%; no homozygotes.

Submissions (5):

PreventionGenetics, part of Exact Sciences
Classification: Uncertain significance for RYR1-related condition. Last evaluated: 2024-12-06. Review status: criteria provided, single submitter. Criteria: ACMG Guidelines, 2015. Collection method: clinical testing. Allele origin: germline.
Comment: The RYR1 c.12373G>A variant is predicted to result in the amino acid substitution p.Glu4125Lys. To our knowledge, this variant has not been reported in the literature or in a large population database (gnomAD), indicating this variant is rare. At this time, the clinical significance of this variant is uncertain due to the absence of conclusive functional and genetic evidence.

All of Us Research Program, National Institutes of Health
Classification: Uncertain significance for Malignant hyperthermia, susceptibility to, 1. Last evaluated: 2024-09-23. Review status: criteria provided, single submitter. Criteria: ACMG Guidelines, 2015. Collection method: clinical testing. Allele origin: germline. Inheritance: Autosomal dominant inheritance. Observed: 4 variant alleles, 4 heterozygotes.
Comment: This missense variant replaces glutamic acid with lysine at codon 4125 of the RYR1 protein. Computational prediction suggests that this variant may not impact protein structure and function (internally defined REVEL score threshold <= 0.5, PMID: 27666373). To our knowledge, functional studies have not been reported for this variant. This variant has not been reported in individuals affected with RYR1-related disorders in the literature. This variant has not been identified in the general population by the Genome Aggregation Database (gnomAD). The available evidence is insufficient to determine the role of this variant in disease conclusively. Therefore, this variant is classified as a Variant of Uncertain Significance.

This study involves interpretation of variants in research participants for the purpose of population health screening. Participant phenotype was not available at the time of variant classification. Additional details can be found in publication PMID: 35346344, PMCID: PMC8962531

Illumina Laboratory Services, Illumina
Classification: Uncertain significance for Congenital multicore myopathy with external ophthalmoplegia. Last evaluated: 2018-01-13. Review status: criteria provided, single submitter. Criteria: ICSL Variant Classification Criteria 13 December 2019. Collection method: clinical testing. Allele origin: germline.

Illumina Laboratory Services, Illumina
Classification: Uncertain significance for Central core myopathy. Last evaluated: 2018-01-13. Review status: criteria provided, single submitter. Criteria: ICSL Variant Classification Criteria 13 December 2019. Collection method: clinical testing. Allele origin: germline.

Illumina Laboratory Services, Illumina
Classification: Uncertain significance for Malignant hyperthermia, susceptibility to, 1. Last evaluated: 2018-01-13. Review status: criteria provided, single submitter. Criteria: ICSL Variant Classification Criteria 13 December 2019. Collection method: clinical testing. Allele origin: germline.

NM_000540.3(RYR1):c.12373G>A (p.Glu4125Lys)

Gene: RYR1 (ryanodine receptor 1; plus strand). Cytogenetic location: 19q13.2.
Variant type: single nucleotide variant.
Coding change: c.12373G>A on transcript NM_000540.3 (MANE Select); coding-DNA position 12373, G replaced by A.
Protein change: p.Glu4125Lys; replaces glutamic acid 4125 with lysine.
Molecular consequence: missense variant.
Genome position (GRCh38, 1-based): chr19:38,561,203, G>A. VCF-style: chr19-38561203-G-A. GRCh37 (hg19) VCF-style: chr19-39051843-G-A.
Other names: c.12358G>A, p.Glu4120Lys (NM_001042723.2); short protein forms E4120K, E4125K.
Identifiers: ClinVar variation 893459 (VCV000893459.7), dbSNP rs1973119741, ClinGen allele CA405668464.
Genomic context (GRCh38, chr19:38,561,203, plus strand): 5'-CCAGAAATCCAGTTCCTGCTTTCGTGCTCCGAAGCGGATGAGAACGAAATGATCAACTGC[G>A]AAGAGTTCGCCAACCGCTTCCAGGAGCCAGCACGCGACATCGGCTTCAACGTGGCGGTGC-3'
Protein context (NP_000531.2, residues 4115-4135): EADENEMINC[Glu4125Lys]EFANRFQEPA